The following is an entry in ClinVar:

NM_001036.6(RYR3):c.3815C>T (p.Thr1272Met)

Gene: RYR3 (ryanodine receptor 3; plus strand). Cytogenetic location: 15q14.
Variant type: single nucleotide variant.
Coding change: c.3815C>T on transcript NM_001036.6 (MANE Select); coding-DNA position 3815, C replaced by T.
Protein change: p.Thr1272Met; replaces threonine 1272 with methionine.
Molecular consequence: missense variant.
Genome position (GRCh38, 1-based): chr15:33,646,400, C>T. VCF-style: chr15-33646400-C-T. GRCh37 (hg19) VCF-style: chr15-33938601-C-T.
Other names: c.3815C>T, p.Thr1272Met (NM_001243996.4); short protein forms T1272M.
Identifiers: ClinVar variation 962733 (VCV000962733.9), dbSNP rs200621978, ClinGen allele CA7458794.

ClinVar aggregate classification (germline): Uncertain significance (1 of 4 stars; one submission).

Conditions:
Epileptic encephalopathy. Identifiers: MedGen C0543888, HP:0200134.

Allele frequency attached by ClinVar (database versions not stated): ESP Exome Variant Server 0.00008; gnomAD exomes 0.00002; ExAC 0.00003; gnomAD 0.00003; TOPMed 0.00005.
gnomAD v4.1: 117 of 1,613,366 alleles (0.0073%); highest among the groups gnomAD compares: Non-Finnish European, 0.0094%; no homozygotes.

Submission:

Labcorp Genetics (formerly Invitae), Labcorp
Classification: Uncertain significance for Epileptic encephalopathy. Last evaluated: 2020-11-23. Review status: criteria provided, single submitter. Criteria: Invitae Variant Classification Sherloc (09022015). Collection method: clinical testing. Allele origin: germline.
Comment: In summary, the available evidence is currently insufficient to determine the role of this variant in disease. Therefore, it has been classified as a Variant of Uncertain Significance. Algorithms developed to predict the effect of missense changes on protein structure and function are either unavailable or do not agree on the potential impact of this missense change (SIFT: "Deleterious"; PolyPhen-2: "Benign"; Align-GVGD: "Class C65"). This variant has not been reported in the literature in individuals with RYR3-related conditions. This variant is present in population databases (rs200621978, ExAC 0.006%). This sequence change replaces threonine with methionine at codon 1272 of the RYR3 protein (p.Thr1272Met). The threonine residue is highly conserved and there is a moderate physicochemical difference between threonine and methionine.